The following is an entry in ClinVar:

ClinVar aggregate classification (germline): Benign/Likely benign. Review status: criteria provided, multiple submitters, no conflicts (2 of 4 stars). 3 submissions from 3 submitters: Benign (1); Likely benign (2). Last evaluated 2024-12-20.

Conditions:
Hereditary cancer-predisposing syndrome. Also called: Neoplastic Syndromes, Hereditary; Tumor predisposition; Hereditary Cancer Syndrome; Hereditary neoplastic syndrome. Identifiers: Orphanet 140162, MedGen C0027672, MeSH D009386, MONDO:0015356.
Familial adenomatous polyposis 1 (FAP1). Also called: FAMILIAL ADENOMATOUS POLYPOSIS 1, ATTENUATED; POLYPOSIS, ADENOMATOUS INTESTINAL. Identifiers: MedGen C2713442, MONDO:0021056, OMIM 175100. Disease mechanism: loss of function.

Allele frequency attached by ClinVar (database versions not stated): TOPMed below 0.00001; gnomAD 0.00001.
gnomAD v4.1: 2 of 1,613,954 alleles (0.00012%); highest among the groups gnomAD compares: African/African-American, 0.0013%; no homozygotes.

Submissions (3):

Labcorp Genetics (formerly Invitae), Labcorp
Classification: Likely benign for Familial adenomatous polyposis 1. Last evaluated: 2024-12-20. Review status: criteria provided, single submitter. Criteria: Invitae Variant Classification Sherloc (09022015). Collection method: clinical testing. Allele origin: germline.

Myriad Genetics, Inc.
Classification: Benign for Familial adenomatous polyposis 1. Last evaluated: 2024-04-05. Review status: criteria provided, single submitter. Criteria: Myriad Autosomal Dominant, Autosomal Recessive and X-Linked Classification Criteria (2023). Collection method: clinical testing. Allele origin: unknown.
Comment: This variant is considered benign. This variant is a silent/synonymous amino acid change and it is not expected to impact splicing.

Ambry Genetics
Classification: Likely benign for Hereditary cancer-predisposing syndrome. Last evaluated: 2020-06-20. Review status: criteria provided, single submitter. Criteria: Ambry Variant Classification Scheme 2023. Collection method: clinical testing. Allele origin: germline.

NM_000038.6(APC):c.6807T>C (p.Thr2269=)

Gene: APC (APC regulator of Wnt signaling pathway; plus strand). Cytogenetic location: 5q22.2.
Variant type: single nucleotide variant.
Coding change: c.6807T>C on transcript NM_000038.6 (MANE Select); coding-DNA position 6807, T replaced by C.
Protein change: p.Thr2269=; no amino-acid change (threonine 2269 retained).
Molecular consequence: synonymous variant. On other transcripts: non-coding transcript variant (2).
Genome position (GRCh38, 1-based): chr5:112,842,401, T>C. VCF-style: chr5-112842401-T-C. GRCh37 (hg19) VCF-style: chr5-112178098-T-C.
Other names: c.6807T>C, p.Thr2269= (NM_001127510.3, NM_001354895.2, NM_001407450.1); c.6753T>C, p.Thr2251= (NM_001127511.3); c.6861T>C, p.Thr2287= (NM_001354896.2, NM_001407447.1, NM_001407448.1 and 1 more transcripts); c.6837T>C, p.Thr2279= (NM_001354897.2); c.6732T>C, p.Thr2244= (NM_001354898.2); c.6723T>C, p.Thr2241= (NM_001354899.2); c.6684T>C, p.Thr2228= (NM_001354900.2); c.6630T>C, p.Thr2210= (NM_001354901.2, NM_001407453.1); and 11 more.
Identifiers: ClinVar variation 1755549 (VCV001755549.5), dbSNP rs946677660, ClinGen allele CA125167806.